The following is an entry in ClinVar:

NM_001009944.3(PKD1):c.4999A>G (p.Thr1667Ala)

Gene: PKD1 (polycystin 1, transient receptor potential channel interacting; minus strand). Cytogenetic location: 16p13.3.
Variant type: single nucleotide variant.
Coding change: c.4999A>G on transcript NM_001009944.3 (MANE Select); coding-DNA position 4999, A replaced by G.
Protein change: p.Thr1667Ala; replaces threonine 1667 with alanine.
Molecular consequence: missense variant.
Genome position (GRCh38, 1-based): chr16:2,110,168, T>C on the plus strand (A>G on the coding strand, the complement: PKD1 is on the minus strand). VCF-style: chr16-2110168-T-C. GRCh37 (hg19) VCF-style: chr16-2160169-T-C.
Other names: c.4999A>G, p.Thr1667Ala (NM_000296.4); short protein forms T1667A.
Identifiers: ClinVar variation 3358739 (VCV003358739.1).
Genomic context (GRCh38, chr16:2,110,168, plus strand): 5'-CGGTGAGCGAGAAGCCTTTGCCGCTGCCGGCCAGGGCCGGGCCCCTGTCCCTCCAGGCAG[T>C]CCAGCTGTAGGAGACGTTGGTGCCATCCCTAACCACGGCCTGCAGCTGTACCGTGTGGTT-3'
Protein context (NP_001009944.3, residues 1657-1677): RDGTNVSYSW[Thr1667Ala]AWRDRGPALA

ClinVar aggregate classification (germline): Uncertain significance (0 of 4 stars; one submission).

Conditions:
PKD1-related disorder. Also called: PKD1-related condition.

gnomAD v4.1: 42 of 1,610,602 alleles (0.0026%); highest among the groups gnomAD compares: African/African-American, 0.004%; no homozygotes.

Submission:

PreventionGenetics, part of Exact Sciences
Classification: Uncertain significance for PKD1-related condition. Last evaluated: 2024-06-10. Review status: no assertion criteria provided. Collection method: clinical testing. Allele origin: germline.
Comment: The PKD1 c.4999A>G variant is predicted to result in the amino acid substitution p.Thr1667Ala. To our knowledge, this variant has not been reported in the literature. This variant is reported in 0.0041% of alleles in individuals of African descent in gnomAD. At this time, the clinical significance of this variant is uncertain due to the absence of conclusive functional and genetic evidence.